The following is an entry in ClinVar:

ClinVar aggregate classification (germline): Uncertain significance. Review status: criteria provided, single submitter (1 of 4 stars). 2 submissions from 2 submitters: Uncertain significance (1). 1 of the submissions does not count toward it. Last evaluated 2024-10-02.

Conditions:
Wilson disease (WND). Also called: Wilson's disease. Identifiers: Orphanet 905, MedGen C0019202, MONDO:0010200, OMIM 277900. Disease mechanism: loss of function.

Submissions (2):

GeneDx
Classification: Uncertain significance. Last evaluated: 2024-10-02. Review status: criteria provided, single submitter. Criteria: GeneDx Variant Classification Process June 2021. Collection method: clinical testing. Allele origin: germline. Affected: yes.
Comment: Not observed at significant frequency in large population cohorts (gnomAD); In silico analysis supports that this missense variant has a deleterious effect on protein structure/function; Has not been previously published as pathogenic or benign to our knowledge

Natera, Inc.
Classification: Uncertain significance for Wilson disease. Last evaluated: 2025-01-22. Review status: no assertion criteria provided. Collection method: clinical testing. Allele origin: germline. Not counted in ClinVar's aggregate classification.

NM_000053.4(ATP7B):c.540C>G (p.Asn180Lys)

Gene: ATP7B (ATPase copper transporting beta; minus strand). Cytogenetic location: 13q14.3.
Variant type: single nucleotide variant.
Coding change: c.540C>G on transcript NM_000053.4 (MANE Select); coding-DNA position 540, C replaced by G.
Protein change: p.Asn180Lys; replaces asparagine 180 with lysine.
Molecular consequence: missense variant.
Genome position (GRCh38, 1-based): chr13:51,974,680, G>C on the plus strand (C>G on the coding strand, the complement: ATP7B is on the minus strand). VCF-style: chr13-51974680-G-C. GRCh37 (hg19) VCF-style: chr13-52548816-G-C.
Other names: c.540C>G, p.Asn180Lys (NM_001330579.2, NM_001406511.1, NM_001406512.1 and 30 more transcripts); c.444C>G, p.Asn148Lys (NM_001406517.1, NM_001406518.1, NM_001406530.1 and 4 more transcripts); short protein forms N148K, N180K.
Identifiers: ClinVar variation 3776579 (VCV003776579.2).